The following is an entry in ClinVar:

NM_002691.4(POLD1):c.1167C>G (p.Asp389Glu)

Gene: POLD1 (DNA polymerase delta 1, catalytic subunit; plus strand). Cytogenetic location: 19q13.33.
Variant type: single nucleotide variant.
Coding change: c.1167C>G on transcript NM_002691.4 (MANE Select); coding-DNA position 1167, C replaced by G.
Protein change: p.Asp389Glu; replaces aspartic acid 389 with glutamic acid.
Molecular consequence: missense variant. On other transcripts: non-coding transcript variant (1).
Genome position (GRCh38, 1-based): chr19:50,403,522, C>G. VCF-style: chr19-50403522-C-G. GRCh37 (hg19) VCF-style: chr19-50906779-C-G.
Other names: c.1167C>G, p.Asp389Glu (NM_001256849.1, NM_001308632.1); short protein forms D389E.
Identifiers: ClinVar variation 1472509 (VCV001472509.8), dbSNP rs2122277855, ClinGen allele CA406978487.

ClinVar aggregate classification (germline): Uncertain significance (1 of 4 stars; one submission).

Conditions:
POLD1-related polyposis and colorectal cancer syndrome (CRCS10). Also called: Colorectal cancer 10; COLORECTAL CANCER, SUSCEPTIBILITY TO, ON CHROMOSOME 19q; Colorectal cancer, susceptibility to, 10. Identifiers: Orphanet 220460, MedGen C2675481, MONDO:0012953, OMIM 612591.

Submission:

Labcorp Genetics (formerly Invitae), Labcorp
Classification: Uncertain significance for POLD1-related polyposis and colorectal cancer syndrome. Last evaluated: 2020-12-26. Review status: criteria provided, single submitter. Criteria: Invitae Variant Classification Sherloc (09022015). Collection method: clinical testing. Allele origin: germline.
Comment: This sequence change replaces aspartic acid with glutamic acid at codon 389 of the POLD1 protein (p.Asp389Glu). The aspartic acid residue is highly conserved and there is a small physicochemical difference between aspartic acid and glutamic acid. In summary, the available evidence is currently insufficient to determine the role of this variant in disease. Therefore, it has been classified as a Variant of Uncertain Significance. Algorithms developed to predict the effect of missense changes on protein structure and function are either unavailable or do not agree on the potential impact of this missense change (SIFT: "Deleterious"; PolyPhen-2: "Probably Damaging"; Align-GVGD: "Class C0"). This variant has not been reported in the literature in individuals with POLD1-related conditions. This variant is not present in population databases (ExAC no frequency).